The following is an entry in ClinVar:

NM_006372.5(SYNCRIP):c.1071A>G (p.Ala357=)

Gene: SYNCRIP (synaptotagmin binding cytoplasmic RNA interacting protein; minus strand). Cytogenetic location: 6q14.3.
Variant type: single nucleotide variant.
Coding change: c.1071A>G on transcript NM_006372.5 (MANE Select); coding-DNA position 1071, A replaced by G.
Protein change: p.Ala357=; no amino-acid change (alanine 357 retained).
Molecular consequence: synonymous variant.
Genome position (GRCh38, 1-based): chr6:85,619,355, T>C on the plus strand (A>G on the coding strand, the complement: SYNCRIP is on the minus strand). VCF-style: chr6-85619355-T-C. GRCh37 (hg19) VCF-style: chr6-86329073-T-C.
Other names: c.777A>G, p.Ala259= (NM_001159673.2, NM_001410938.1, NM_001439159.1); c.966A>G, p.Ala322= (NM_001159674.2, NM_001159675.2); c.1071A>G, p.Ala357= (NM_001159676.2, NM_001159677.2, NM_001439158.1 and 3 more transcripts); c.615A>G, p.Ala205= (NM_001253771.2).
Identifiers: ClinVar variation 4873628 (VCV004873628.2).
Genomic context (GRCh38, chr6:85,619,355, plus strand): 5'-ATGAATGAACGCATAATCTTTTAACTTCTTCACTCGTTCCAGTTTCCCAAACTGACTAAA[T>C]GCCTTTTCTAAAATCTCTTCTGTTACAGTATTGGCAAGGTTGCGTACAAACAGCACTTTT-3'
Protein context (NP_006363.4, residues 347-367): NTVTEEILEK[Ala357=]FSQFGKLERV

ClinVar aggregate classification (germline): Likely benign (1 of 4 stars; one submission).

gnomAD v4.1: 35 of 1,613,902 alleles (0.0022%); highest among the groups gnomAD compares: African/African-American, 0.0067%; no homozygotes.

Submission:

CeGaT Center for Human Genetics Tuebingen
Classification: Likely benign. Last evaluated: 2026-06-01. Review status: criteria provided, single submitter. Criteria: CeGaT Center For Human Genetics Tuebingen Variant Classification Criteria Version 2. Collection method: clinical testing. Allele origin: germline. Affected: yes. Observed: 1 variant allele.
Comment: SYNCRIP: BP4, BP7